The following continues an entry in ClinVar:

NM_000059.4(BRCA2):c.9509A>G (p.Asp3170Gly)

Gene: BRCA2. ClinVar aggregate classification (germline): Benign. Benign (1).

Submissions 18 to 19 of 19:

Department of Pathology and Laboratory Medicine, Sinai Health System
Classification: Likely benign for Malignant tumor of breast. Review status: no assertion criteria provided. Collection method: clinical testing. Allele origin: unknown. Affected: yes. Study: The Canadian Open Genetics Repository (COGR). Not counted in ClinVar's aggregate classification.
Comment: The BRCA2 p.Asp3170Gly variant was identified in the literature however the frequency of this variant in an affected population was not provided (Easton 2007, Karchin 2008, Guidugli 2018, Lindor 2012). The variant was also identified in dbSNP (ID: rs80359224) as "With other allele", in ClinVar (classified as benign by Ambry Genetics, ENIGMA, Quest Diagnostics, and ARUP Laboratories; as likely benign by Gene Dx, Color; and as uncertain significance by BIC and Integrated Genetics), LOVD 3.0 (7 entries), and UMD-LSDB (2 entries). The variant was identified in control databases in 1 of 246074 chromosomes at a frequency of 0.000004 (Genome Aggregation Database Feb 27, 2017). The variant was observed in the following populations: European Non-Finnish in 1 of 111560 chromosomes (freq: 0.000009), while the variant was not observed in the African, Other, Latino, Ashkenazi Jewish, East Asian, Finnish, and South Asian populations. Several variant model prediction programs conclude that the p.Asp3170Gly variant is not pathogenic (Easton 2007, Karchin 2008, Lindor 2012). A homology-directed DNA repair (HDR) assay in V-C8 cultured cells concluded that this variant was comparable to wild type and was classified as neutral (Guidugli 2018). The Asp3170 residue is not conserved in mammals and four out of five computational analyses (PolyPhen-2, SIFT, AlignGVGD, BLOSUM, MutationTaster) do not suggest a high likelihood of impact to the protein; however, this information is not predictive enough to rule out pathogenicity. The variant occurs outside of the splicing consensus sequence and in silico or computational prediction software programs (SpliceSiteFinder, MaxEntScan, NNSPLICE, GeneSplicer) do not predict a difference in splicing. In summary, based on the above information the clinical significance of this variant cannot be determined with certainty at this time although we would lean towards a more benign role for this variant. This variant is classified as likely benign.

Laboratory of Diagnostic Genome Analysis, Leiden University Medical Center (LUMC)
Classification: Likely benign. Review status: no assertion criteria provided. Collection method: clinical testing. Allele origin: germline. Affected: yes. Study: VKGL Data-share Consensus. Not counted in ClinVar's aggregate classification.

Literature cited by the submitters: PubMed 21990134 (cited by 3 submitters); PubMed 32599251 (cited by Quest Diagnostics Nichols Institute San Juan Capistrano); PubMed 29884841 (cited by Quest Diagnostics Nichols Institute San Juan Capistrano and Women's Health and Genetics/Laboratory Corporation of America, LabCorp); PubMed 29988080 (cited by Quest Diagnostics Nichols Institute San Juan Capistrano and Women's Health and Genetics/Laboratory Corporation of America, LabCorp); PubMed 31851867 (cited by Quest Diagnostics Nichols Institute San Juan Capistrano and Women's Health and Genetics/Laboratory Corporation of America, LabCorp); PubMed 17924331 (cited by Quest Diagnostics Nichols Institute San Juan Capistrano and Women's Health and Genetics/Laboratory Corporation of America, LabCorp); PubMed 19043619 (cited by Quest Diagnostics Nichols Institute San Juan Capistrano and Women's Health and Genetics/Laboratory Corporation of America, LabCorp); PubMed 24323938 (cited by Quest Diagnostics Nichols Institute San Juan Capistrano and Women's Health and Genetics/Laboratory Corporation of America, LabCorp); PubMed 29580235 (cited by Women's Health and Genetics/Laboratory Corporation of America, LabCorp); PubMed 29394989 (cited by Women's Health and Genetics/Laboratory Corporation of America, LabCorp); PubMed 33471991 (cited by Women's Health and Genetics/Laboratory Corporation of America, LabCorp); PubMed 33609447 (cited by Women's Health and Genetics/Laboratory Corporation of America, LabCorp); PubMed 33978741 (cited by Women's Health and Genetics/Laboratory Corporation of America, LabCorp).